The following is an entry in ClinVar:

NM_001292063.2(OTOG):c.5181A>T (p.Glu1727Asp)

Gene: OTOG (otogelin; plus strand). Cytogenetic location: 11p15.1.
Variant type: single nucleotide variant.
Coding change: c.5181A>T on transcript NM_001292063.2 (MANE Select); coding-DNA position 5181, A replaced by T.
Protein change: p.Glu1727Asp; replaces glutamic acid 1727 with aspartic acid.
Molecular consequence: missense variant.
Genome position (GRCh38, 1-based): chr11:17,610,481, A>T. VCF-style: chr11-17610481-A-T. GRCh37 (hg19) VCF-style: chr11-17632028-A-T.
Other names: c.5217A>T, p.Glu1739Asp (NM_001277269.2); short protein forms E1727D, E1739D.
Identifiers: ClinVar variation 2428881 (VCV002428881.3), dbSNP rs1031635190, ClinGen allele CA218476128.

ClinVar aggregate classification (germline): Uncertain significance (1 of 4 stars; one submission).

Allele frequency attached by ClinVar (database versions not stated): gnomAD exomes 0.00001.
gnomAD v4.1: 11 of 1,550,432 alleles (0.00071%); highest among the groups gnomAD compares: Non-Finnish European, 0.00087%; no homozygotes.

Submission:

GeneDx
Classification: Uncertain significance. Last evaluated: 2022-08-04. Review status: criteria provided, single submitter. Criteria: GeneDx Variant Classification Process June 2021. Collection method: clinical testing. Allele origin: germline. Affected: yes.
Comment: Not observed at significant frequency in large population cohorts (gnomAD); In silico analysis supports that this missense variant does not alter protein structure/function; Has not been previously published as pathogenic or benign to our knowledge